The following is an entry in ClinVar:

NM_005634.3(SOX3):c.311G>C (p.Gly104Ala)

Gene: SOX3 (SRY-box transcription factor 3; minus strand). Cytogenetic location: Xq27.1.
Variant type: single nucleotide variant.
Coding change: c.311G>C on transcript NM_005634.3 (MANE Select); coding-DNA position 311, G replaced by C.
Protein change: p.Gly104Ala; replaces glycine 104 with alanine.
Molecular consequence: missense variant.
Genome position (GRCh38, 1-based): chrX:140,504,750, C>G on the plus strand (G>C on the coding strand, the complement: SOX3 is on the minus strand). VCF-style: chrX-140504750-C-G. GRCh37 (hg19) VCF-style: chrX-139586915-C-G.
Other names: short protein forms G104A.
Identifiers: ClinVar variation 3620907 (VCV003620907.2).

ClinVar aggregate classification (germline): Uncertain significance (1 of 4 stars; one submission).

Submission:

Labcorp Genetics (formerly Invitae), Labcorp
Classification: Uncertain significance. Last evaluated: 2024-04-08. Review status: criteria provided, single submitter. Criteria: Invitae Variant Classification Sherloc (09022015). Collection method: clinical testing. Allele origin: germline.
Comment: This sequence change replaces glycine, which is neutral and non-polar, with alanine, which is neutral and non-polar, at codon 104 of the SOX3 protein (p.Gly104Ala). This variant is not present in population databases (gnomAD no frequency). This variant has not been reported in the literature in individuals affected with SOX3-related conditions. Advanced modeling of protein sequence and biophysical properties (such as structural, functional, and spatial information, amino acid conservation, physicochemical variation, residue mobility, and thermodynamic stability) performed at Invitae indicates that this missense variant is not expected to disrupt SOX3 protein function with a negative predictive value of 80%. In summary, the available evidence is currently insufficient to determine the role of this variant in disease. Therefore, it has been classified as a Variant of Uncertain Significance.